The following is an entry in ClinVar:

ClinVar aggregate classification (germline): Likely pathogenic (1 of 4 stars; one submission).

Conditions:
Duchenne muscular dystrophy (DMD). Also called: MUSCULAR DYSTROPHY, PSEUDOHYPERTROPHIC PROGRESSIVE, DUCHENNE TYPE; Duchenne Muscular Dystrophy (DMD). Identifiers: Orphanet 98896, MedGen C0013264, MONDO:0010679, OMIM 310200.

Submission:

Diagnostics Services (NGS), CSIR - Centre For Cellular And Molecular Biology
Classification: Likely pathogenic for Duchenne muscular dystrophy. Last evaluated: 2025-09-19. Review status: criteria provided, single submitter. Criteria: ACMG Guidelines, 2015. Collection method: clinical testing. Allele origin: germline. Affected: yes. Observed: 1 variant allele, 1 hemizygote.
Comment: The c.8269del variant is not present in 1000 Genomes, EVS, gnomAD and Indian Exome Database or our internal database. This variant has neither been published in the literature for DMD-related conditions nor reported to the clinical databases like Human genome Mutation Database (HGMD), OMIM, or ClinVar databases in any affected individuals. In-silico pathogenicity prediction programs like MutationTaster2021, CADD, Varsome, Franklin etc predicted this variant to be likely deleterious. This variant causes frameshift at the 2757th amino acid position of the wild-type transcript which creates a premature translational stop signal at the altered transcript that may either result in translation of a truncated protein or cause nonsense mediated decay of the mRNA.

NM_004006.3(DMD):c.8269del (p.Glu2757fs)

Gene: DMD (dystrophin; minus strand). Cytogenetic location: Xp21.1.
Variant type: Deletion.
Coding change: c.8269del on transcript NM_004006.3 (MANE Select); coding-DNA position 8269, one base deleted (G; older notation c.8269delG).
Protein change: p.Glu2757fs; shifts the reading frame from glutamic acid 2757.
Molecular consequence: frameshift variant.
Genome position (GRCh38, 1-based): chrX:31,507,402, C deleted on the plus strand (G on the coding strand, the reverse complement: DMD is on the minus strand). VCF-style (leftmost placement, unchanged base first): chrX-31507401-TC-T. GRCh37 (hg19) VCF-style: chrX-31525518-TC-T.
Other names: c.8245del, p.Glu2749fs (NM_000109.4); c.8257del, p.Glu2753fs (NM_004009.3); c.7900del, p.Glu2634fs (NM_004010.3); c.4246del, p.Glu1416fs (NM_004011.4); c.4237del, p.Glu1413fs (NM_004012.4); c.889del, p.Glu297fs (NM_004013.3, NM_004020.4, NM_004021.3 and 2 more transcripts); c.82del, p.Glu28fs (NM_004014.3); short protein forms E1413fs, E1416fs, E2634fs, E2749fs, E2753fs, E2757fs, E28fs, E297fs.
Identifiers: ClinVar variation 4279622 (VCV004279622.1).